The following is an entry in ClinVar:

ClinVar aggregate classification (germline): Uncertain significance (1 of 4 stars; one submission).

Conditions:
Hereditary cancer-predisposing syndrome. Also called: Hereditary Cancer Syndrome; Hereditary neoplastic syndrome; Neoplastic Syndromes, Hereditary; Tumor predisposition. Identifiers: Orphanet 140162, MedGen C0027672, MeSH D009386, MONDO:0015356.

Submission:

Ambry Genetics
Classification: Uncertain significance for Hereditary cancer-predisposing syndrome. Last evaluated: 2025-06-24. Review status: criteria provided, single submitter. Criteria: Ambry Variant Classification Scheme 2023. Collection method: clinical testing. Allele origin: germline.
Comment: The p.S3094T variant (also known as c.9280T>A), located in coding exon 24 of the BRCA2 gene, results from a T to A substitution at nucleotide position 9280. The serine at codon 3094 is replaced by threonine, an amino acid with similar properties. This amino acid position is conserved. In addition, the in silico prediction for this alteration is inconclusive. Based on the available evidence, the clinical significance of this variant remains unclear.

NM_000059.4(BRCA2):c.9280T>A (p.Ser3094Thr)

Gene: BRCA2 (BRCA2 DNA repair associated; plus strand). Cytogenetic location: 13q13.1.
Variant type: single nucleotide variant.
Coding change: c.9280T>A on transcript NM_000059.4 (MANE Select); coding-DNA position 9280, T replaced by A.
Protein change: p.Ser3094Thr; replaces serine 3094 with threonine.
Molecular consequence: missense variant. On other transcripts: non-coding transcript variant (1).
Genome position (GRCh38, 1-based): chr13:32,394,712, T>A. VCF-style: chr13-32394712-T-A. GRCh37 (hg19) VCF-style: chr13-32968849-T-A.
Other names: c.9184T>A, p.Ser3062Thr (NM_001406719.1); c.9229T>A, p.Ser3077Thr (NM_001406720.1); c.4348T>A, p.Ser1450Thr (NM_001406721.1); c.2863T>A, p.Ser955Thr (NM_001406722.1); c.9280T>A, p.Ser3094Thr (NM_001432077.1); short protein forms S3062T, S3094T, S955T, S1450T, S3077T.
Identifiers: ClinVar variation 4215729 (VCV004215729.1).